The following is an entry in ClinVar:

ClinVar aggregate classification (germline): Uncertain significance (1 of 4 stars; one submission).

Conditions:
Familial intrahepatic cholestasis. Identifiers: Orphanet 284385, MedGen CN296401, MONDO:0017290.

Submission:

Genomenon, Inc
Classification: Uncertain significance for Familial intrahepatic cholestasis. Last evaluated: 2026-04-14. Review status: criteria provided, single submitter. Criteria: Genomenon Sequence Variant Interpretation Standards - Updated. Collection method: curation. Allele origin: germline. Affected: yes.
Comment: ABCB11 p.Ser1115Gly (c.3343A>G) is a missense variant that changes the amino acid at residue 1115 from Serine to Glycine. This variant has been observed in at least one proband with an ABCB11-related disorder (PMID:35780807). It is absent or not present at a significant frequency in gnomAD. In silico models predict that this variant is possibly or probably damaging. In conclusion, we classify ABCB11 p.Ser1115Gly (c.3343A>G) as a variant of uncertain significance.

Literature cited by the submitters: PubMed 35780807.

NM_003742.4(ABCB11):c.3343A>G (p.Ser1115Gly)

Gene: ABCB11 (ATP binding cassette subfamily B member 11; minus strand). Cytogenetic location: 2q31.1.
Variant type: single nucleotide variant.
Coding change: c.3343A>G on transcript NM_003742.4 (MANE Select); coding-DNA position 3343, A replaced by G.
Protein change: p.Ser1115Gly; replaces serine 1115 with glycine.
Molecular consequence: missense variant.
Genome position (GRCh38, 1-based): chr2:168,930,733, T>C on the plus strand (A>G on the coding strand, the complement: ABCB11 is on the minus strand). VCF-style: chr2-168930733-T-C. GRCh37 (hg19) VCF-style: chr2-169787243-T-C.
Other names: short protein forms S1115G.
Identifiers: ClinVar variation 4846167 (VCV004846167.1).
Genomic context (GRCh38, chr2:168,930,733, plus strand): 5'-CTTGATCAGGATCATAGAAACGTTCCAACAGCTGAATGCTAGTGCTTTTGCCACATCCAC[T>C]GCTCCCAACAAACGCCAGTGTCTGCCCTGGACTAATCGACACTGAGAGACCATTCAGAAC-3'
Protein context (NP_003733.2, residues 1105-1125): PGQTLAFVGS[Ser1115Gly]GCGKSTSIQL